The following is an entry in ClinVar:

ClinVar aggregate classification (germline): Uncertain significance (1 of 4 stars; one submission).

Submission:

Ambry Genetics
Classification: Uncertain significance. Last evaluated: 2021-12-22. Review status: criteria provided, single submitter. Criteria: Ambry Variant Classification Scheme 2023. Collection method: clinical testing. Allele origin: germline.
Comment: The p.D90G variant (also known as c.269A>G), located in coding exon 4 of the RPS20 gene, results from an A to G substitution at nucleotide position 269. The aspartic acid at codon 90 is replaced by glycine, an amino acid with similar properties. This amino acid position is conserved. In addition, this alteration is predicted to be deleterious by in silico analysis. Since supporting evidence is limited at this time, the clinical significance of this alteration remains unclear.

NM_001023.4(RPS20):c.269A>G (p.Asp90Gly)

Gene: RPS20 (ribosomal protein S20; minus strand). Cytogenetic location: 8q12.1.
Variant type: single nucleotide variant.
Coding change: c.269A>G on transcript NM_001023.4 (MANE Select); coding-DNA position 269, A replaced by G.
Protein change: p.Asp90Gly; replaces aspartic acid 90 with glycine.
Molecular consequence: missense variant.
Genome position (GRCh38, 1-based): chr8:56,073,181, T>C on the plus strand (A>G on the coding strand, the complement: RPS20 is on the minus strand). VCF-style: chr8-56073181-T-C. GRCh37 (hg19) VCF-style: chr8-56985740-T-C.
Other names: c.269A>G, p.Asp90Gly (NM_001146227.3); short protein forms D90G.
Identifiers: ClinVar variation 1794874 (VCV001794874.2), dbSNP rs1804368, ClinGen allele CA177248733.